The following is an entry in ClinVar:

NM_000051.4(ATM):c.7729G>A (p.Val2577Ile)

Genes: ATM (ATM serine/threonine kinase; plus strand), C11orf65 (chromosome 11 open reading frame 65; minus strand). Cytogenetic location: 11q22.3.
Variant type: single nucleotide variant.
Coding change: c.7729G>A on transcript NM_000051.4 (MANE Select); coding-DNA position 7729, G replaced by A.
Protein change: p.Val2577Ile; replaces valine 2577 with isoleucine.
Molecular consequence: missense variant. On other transcripts: intron variant (2).
Genome position (GRCh38, 1-based): chr11:108,331,978, G>A. VCF-style: chr11-108331978-G-A. GRCh37 (hg19) VCF-style: chr11-108202705-G-A.
Other names: c.7729G>A, p.Val2577Ile (NM_001351834.2); c.641-22907C>T (NM_001330368.2); c.*38+3242C>T (NM_001351110.2); short protein forms V2577I.
Identifiers: ClinVar variation 421243 (VCV000421243.5), dbSNP rs1064795004, ClinGen allele CA16619238.
Genomic context (GRCh38, chr11:108,331,978, plus strand): 5'-TTGTTTATTATACTGGCCTTAGCAAATGCAAACAGAGATGAATTTCTGACTAAACCAGAG[G>A]TAGCCAGAAGAAGCAGAATAACTAAAAATGTGCCTAAACAAAGCTCTCAGCTTGATGAGG-3'
Protein context (NP_000042.3, residues 2567-2587): NRDEFLTKPE[Val2577Ile]ARRSRITKNV

ClinVar aggregate classification (germline): Uncertain significance. Review status: criteria provided, multiple submitters, no conflicts (2 of 4 stars). 2 submissions from 2 submitters: Uncertain significance (2). Last evaluated 2024-04-16.

Conditions:
Hereditary cancer-predisposing syndrome. Also called: Neoplastic Syndromes, Hereditary; Hereditary Cancer Syndrome; Tumor predisposition; Hereditary neoplastic syndrome. Identifiers: Orphanet 140162, MedGen C0027672, MeSH D009386, MONDO:0015356.

Allele frequency attached by ClinVar (database versions not stated): gnomAD exomes below 0.00001.
gnomAD v4.1: 1 of 1,614,028 alleles (0.000062%); highest among the groups gnomAD compares: Non-Finnish European, 0.000085%; no homozygotes.

Submissions (2):

Ambry Genetics
Classification: Uncertain significance for Hereditary cancer-predisposing syndrome. Last evaluated: 2024-04-16. Review status: criteria provided, single submitter. Criteria: Ambry Variant Classification Scheme 2023. Collection method: clinical testing. Allele origin: germline.
Comment: The p.V2577I variant (also known as c.7729G>A), located in coding exon 51 of the ATM gene, results from a G to A substitution at nucleotide position 7729. The valine at codon 2577 is replaced by isoleucine, an amino acid with highly similar properties. This amino acid position is conserved. In addition, this alteration is predicted to be tolerated by in silico analysis. Based on the available evidence, the clinical significance of this variant remains unclear.

GeneDx
Classification: Uncertain significance. Last evaluated: 2016-05-18. Review status: criteria provided, single submitter. Criteria: GeneDx Variant Classification (06012015). Collection method: clinical testing. Allele origin: germline. Affected: yes.
Comment: This variant is denoted ATM c.7729G>A at the cDNA level, p.Val2577Ile (V2577I) at the protein level, and results in the change of a Valine to an Isoleucine (GTA>ATA). This variant has not, to our knowledge, been published in the literature as pathogenic or benign. ATM Val2577Ile was not observed in approximately 6,500 individuals of European and African American ancestry in the NHLBI Exome Sequencing Project, suggesting it is not a common benign variant in these populations. Since Valine and Isoleucine share similar properties, this is considered a conservative amino acid substitution. ATM Val2577Ile occurs at a position that is not conserved and is not located in a known functional domain (Tavtigian 2009, Stracker 2013). In silico analyses are inconsistent regarding the effect this variant may have on protein structure and function. Based on currently available evidence, it is unclear whether ATM Val2577Ile is a pathogenic or benign variant. We consider it to be a variant of uncertain significance.